The following is an entry in ClinVar:

NM_001128840.3(CACNA1D):c.313G>A (p.Ala105Thr)

Gene: CACNA1D (calcium voltage-gated channel subunit alpha1 D; plus strand). Cytogenetic location: 3p21.1.
Variant type: single nucleotide variant.
Coding change: c.313G>A on transcript NM_001128840.3 (MANE Select); coding-DNA position 313, G replaced by A.
Protein change: p.Ala105Thr; replaces alanine 105 with threonine.
Molecular consequence: missense variant.
Genome position (GRCh38, 1-based): chr3:53,497,397, G>A. VCF-style: chr3-53497397-G-A. GRCh37 (hg19) VCF-style: chr3-53531424-G-A.
Other names: c.313G>A, p.Ala105Thr (NM_000720.4, NM_001128839.3); c.313G>A (NM_000720.2); short protein forms A105T.
Identifiers: ClinVar variation 1426646 (VCV001426646.9), dbSNP rs533046755, ClinGen allele CA2453658.
Genomic context (GRCh38, chr3:53,497,397, plus strand): 5'-CGTCAGCAATACGCCAAGAGCAAAAAACAGGGTAACTCGTCCAACAGCCGACCTGCCCGC[G>A]CCCTTTTCTGTTTATCACTCAATAACCCCATCCGAAGAGCCTGCATTAGTATAGTGGAAT-3'
Protein context (NP_001122312.1, residues 95-115): GNSSNSRPAR[Ala105Thr]LFCLSLNNPI

ClinVar aggregate classification (germline): Uncertain significance. Review status: criteria provided, multiple submitters, no conflicts (2 of 4 stars). 2 submissions from 2 submitters: Uncertain significance (2). Last evaluated 2025-11-11.

Allele frequency attached by ClinVar (database versions not stated): gnomAD exomes below 0.00001; ExAC 0.00001; gnomAD 0.00002; 1000 Genomes Project 0.00020; 1000 Genomes Project 30x 0.00031.
gnomAD v4.1: 5 of 1,614,124 alleles (0.00031%); highest among the groups gnomAD compares: African/African-American, 0.0013%; no homozygotes.

Submissions (2):

Labcorp Genetics (formerly Invitae), Labcorp
Classification: Uncertain significance. Last evaluated: 2025-11-11. Review status: criteria provided, single submitter. Criteria: Invitae Variant Classification Sherloc (09022015). Collection method: clinical testing. Allele origin: germline.
Comment: This sequence change replaces alanine, which is neutral and non-polar, with threonine, which is neutral and polar, at codon 105 of the CACNA1D protein (p.Ala105Thr). This variant is present in population databases (rs533046755, gnomAD 0.0009%). This variant has not been reported in the literature in individuals affected with CACNA1D-related conditions. ClinVar contains an entry for this variant (Variation ID: 1426646). Invitae Evidence Modeling of protein sequence and biophysical properties (such as structural, functional, and spatial information, amino acid conservation, physicochemical variation, residue mobility, and thermodynamic stability) indicates that this missense variant is not expected to disrupt CACNA1D protein function with a negative predictive value of 80%. In summary, the available evidence is currently insufficient to determine the role of this variant in disease. Therefore, it has been classified as a Variant of Uncertain Significance.

GeneDx
Classification: Uncertain significance. Last evaluated: 2024-10-07. Review status: criteria provided, single submitter. Criteria: GeneDx Variant Classification Process June 2021. Collection method: clinical testing. Allele origin: germline. Affected: yes.
Comment: Not observed at significant frequency in large population cohorts (gnomAD); In silico analysis supports that this missense variant has a deleterious effect on protein structure/function; Has not been previously published as pathogenic or benign to our knowledge